The following is an entry in ClinVar:

NM_000404.4(GLB1):c.623G>T (p.Arg208Leu)

Gene: GLB1 (galactosidase beta 1; minus strand). Cytogenetic location: 3p22.3.
Variant type: single nucleotide variant.
Coding change: c.623G>T on transcript NM_000404.4 (MANE Select); coding-DNA position 623, G replaced by T.
Protein change: p.Arg208Leu; replaces arginine 208 with leucine.
Molecular consequence: missense variant. On other transcripts: intron variant (1).
Genome position (GRCh38, 1-based): chr3:33,058,199, C>A on the plus strand (G>T on the coding strand, the complement: GLB1 is on the minus strand). VCF-style: chr3-33058199-C-A. GRCh37 (hg19) VCF-style: chr3-33099691-C-A.
Other names: c.533G>T, p.Arg178Leu (NM_001079811.3); c.767G>T, p.Arg256Leu (NM_001317040.2); c.623G>T, p.Arg208Leu (NM_001393580.1); c.341-4650G>T (NM_001135602.3); short protein forms R256L, R178L, R208L.
Identifiers: ClinVar variation 2060699 (VCV002060699.1), dbSNP rs111840209, ClinGen allele CA352004449.

ClinVar aggregate classification (germline): Uncertain significance (1 of 4 stars; one submission).

Conditions:
GM1 gangliosidosis. Identifiers: Orphanet 354, MedGen C0085131, MONDO:0018149.
Mucopolysaccharidosis, MPS-IV-B (MPS4B). Also called: MORQUIO SYNDROME B; Mucopolysaccharidosis Type IVB (Morquio B Disease); Mucopolysaccharidosis type IV B; Mucopolysaccharidosis Type IVB; Mucopolysaccharidosis type 4B; Mucopolysaccharidosis type IVB (Morquio). Identifiers: Orphanet 309310, Orphanet 582, MedGen C0086652, MONDO:0009660, OMIM 253010.

gnomAD v4.1: 1 of 1,614,090 alleles (0.000062%); highest among the groups gnomAD compares: Non-Finnish European, 0.000085%; no homozygotes.

Submission:

Labcorp Genetics (formerly Invitae), Labcorp
Classification: Uncertain significance for Mucopolysaccharidosis, MPS-IV-B; GM1 gangliosidosis. Last evaluated: 2022-06-29. Review status: criteria provided, single submitter. Criteria: Invitae Variant Classification Sherloc (09022015). Collection method: clinical testing. Allele origin: germline.
Comment: This sequence change replaces arginine, which is basic and polar, with leucine, which is neutral and non-polar, at codon 208 of the GLB1 protein (p.Arg208Leu). This variant is not present in population databases (gnomAD no frequency). This variant has not been reported in the literature in individuals affected with GLB1-related conditions. Algorithms developed to predict the effect of missense changes on protein structure and function are either unavailable or do not agree on the potential impact of this missense change (SIFT: "Deleterious"; PolyPhen-2: "Possibly Damaging"; Align-GVGD: "Class C15"). This variant disrupts the p.Arg208 amino acid residue in GLB1. Other variant(s) that disrupt this residue have been determined to be pathogenic (PMID: 8213816, 10338095, 15714521, 17309651, 23337983). This suggests that this residue is clinically significant, and that variants that disrupt this residue are likely to be disease-causing. In summary, the available evidence is currently insufficient to determine the role of this variant in disease. Therefore, it has been classified as a Variant of Uncertain Significance.

Literature cited by the submitters: PubMed 8213816; PubMed 10338095; PubMed 15714521; PubMed 17309651; PubMed 23337983.